The following is an entry in ClinVar:

ClinVar aggregate classification (germline): Uncertain significance (1 of 4 stars; one submission).

Conditions:
Inborn genetic diseases. Identifiers: MedGen C0950123, MeSH D030342.

Submission:

Ambry Genetics
Classification: Uncertain significance for Hereditary disease. Last evaluated: 2017-05-31. Review status: criteria provided, single submitter. Criteria: ambry_reporting_categories_2017. Collection method: clinical testing. Allele origin: germline. Affected: yes. Observed: 1 heterozygote. Segregation with disease observed.
Comment: Lines of evidence used in support of classification: UNCERTAIN: Alteration(s) of Uncertain Clinical Significance Detected

Literature cited by the submitters: PubMed 19949034; PubMed 19840616; PubMed 16107487; PubMed 15905400; PubMed 16598045; PubMed 15882279; PubMed 23394911; PubMed 18160688; PubMed 22574627; PubMed 17696175; PubMed 6428250; PubMed 16374828; PubMed 12525718; PubMed 17938367; PubMed 26220970; PubMed 19194877; PubMed 23065703; PubMed 21625620.

NM_001845.6(COL4A1):c.4540G>A (p.Ala1514Thr)

Gene: COL4A1 (collagen type IV alpha 1 chain; minus strand). Cytogenetic location: 13q34.
Variant type: single nucleotide variant.
Coding change: c.4540G>A on transcript NM_001845.6 (MANE Select); coding-DNA position 4540, G replaced by A.
Protein change: p.Ala1514Thr; replaces alanine 1514 with threonine.
Molecular consequence: missense variant.
Genome position (GRCh38, 1-based): chr13:110,161,292, C>T on the plus strand (G>A on the coding strand, the complement: COL4A1 is on the minus strand). VCF-style: chr13-110161292-C-T. GRCh37 (hg19) VCF-style: chr13-110813639-C-T.
Other names: short protein forms A1514T.
Identifiers: ClinVar variation 521827 (VCV000521827.3), dbSNP rs1555301346, ClinGen allele CA388657376.